The following is an entry in ClinVar:

ClinVar aggregate classification (germline): Likely pathogenic (1 of 4 stars; one submission).

Submission:

Labcorp Genetics (formerly Invitae), Labcorp
Classification: Likely pathogenic. Last evaluated: 2022-09-06. Review status: criteria provided, single submitter. Criteria: Invitae Variant Classification Sherloc (09022015). Collection method: clinical testing. Allele origin: germline.
Comment: This sequence change affects a donor splice site in intron 16 of the OPA1 gene. It is expected to disrupt RNA splicing. Variants that disrupt the donor or acceptor splice site typically lead to a loss of protein function (PMID: 16199547), and loss-of-function variants in OPA1 are known to be pathogenic (PMID: 11440988, 20157015, 20952381, 25012220). This variant is not present in population databases (gnomAD no frequency). This variant has not been reported in the literature in individuals affected with OPA1-related conditions. Algorithms developed to predict the effect of sequence changes on RNA splicing suggest that this variant may disrupt the consensus splice site. In summary, the currently available evidence indicates that the variant is pathogenic, but additional data are needed to prove that conclusively. Therefore, this variant has been classified as Likely Pathogenic.

Literature cited by the submitters: PubMed 16199547; PubMed 11440988; PubMed 20157015; PubMed 20952381; PubMed 25012220.

NM_130837.3(OPA1):c.1754+1dup

Gene: OPA1 (OPA1 mitochondrial dynamin like GTPase; plus strand). Cytogenetic location: 3q29.
Variant type: Duplication.
Coding change: c.1754+1dup on transcript NM_130837.3 (MANE Select); the canonical splice donor site of the intron after coding-DNA position 1754, one base duplicated (G; older notation c.1754+1dupG).
Molecular consequence: splice donor variant.
Genome position (GRCh38, 1-based): chr3:193,645,801, G duplicated. VCF-style (leftmost placement, unchanged base first): chr3-193645800-A-AG. GRCh37 (hg19) VCF-style: chr3-193363589-A-AG.
Other names: c.1217+1dup (NM_001354664.2); c.1220+1dup (NM_001354663.2); c.1643+1dup (NM_130834.3); c.1700+1dup (NM_130836.3); c.1589+1dup (NM_015560.3); c.1646+1dup (NM_130835.3); c.1535+1dup (NM_130832.3); c.1592+1dup (NM_130833.3); and 1 more.
Identifiers: ClinVar variation 2065148 (VCV002065148.4), dbSNP rs2474904743, ClinGen allele CA2580070578.
Genomic context (GRCh38, chr3:193,645,800, plus strand): 5'-AAAGCATTGAAGCTATAAGAGAATATGAAGAAGAGTTTTTTCAGAATTCAAAGCTCCTAA[A>AG]GTAGGTATCTTGTTAAAACATTTAAACATTTTACAGTAAGAGAGTAGCTTAAATTGAACT-3'